The following is an entry in ClinVar:

ClinVar aggregate classification (germline): Uncertain significance. Review status: criteria provided, multiple submitters, no conflicts (2 of 4 stars). 5 submissions from 5 submitters: Uncertain significance (5). Last evaluated 2025-12-08.

Conditions:
Neuropathy, hereditary sensory and autonomic, type 2A (HSAN2A). Also called: ACROOSTEOLYSIS, GIACCAI TYPE; ACROOSTEOLYSIS, NEUROGENIC; HSAN IIA; MORVAN DISEASE; NEUROPATHY, CONGENITAL SENSORY; NEUROPATHY, HEREDITARY SENSORY RADICULAR, AUTOSOMAL RECESSIVE. Identifiers: Orphanet 970, MedGen C2752089, MONDO:0024309, OMIM 201300.
Generalized epilepsy with febrile seizures plus, type 7 (GEFSP7). Also called: GEFS+, TYPE 7. Identifiers: Orphanet 36387, MedGen C2751778, MONDO:0013470, OMIM 613863.
Inborn genetic diseases. Identifiers: MedGen C0950123, MeSH D030342.
Primary erythromelalgia. Also called: SCN9A Erythromelalgia (SCN9A-EM); primary erythermalgia. Identifiers: Orphanet 306577, Orphanet 90026, MedGen C0014805, MONDO:0007571, OMIM 133020.
Paroxysmal extreme pain disorder (PEXPD). Also called: PAIN, SUBMANDIBULAR, OCULAR, AND RECTAL, WITH FLUSHING; RECTAL PAIN, FAMILIAL; SCN9A Paroxysmal Extreme Pain Disorder (SCN9A-PEPD). Identifiers: Orphanet 46348, MedGen C1833661, MONDO:0008179, OMIM 167400.
Channelopathy-associated congenital insensitivity to pain, autosomal recessive. Also called: ASYMBOLIA FOR PAIN; CONGENITAL ANALGESIA, AUTOSOMAL RECESSIVE; Insensitivity to pain, channelopathy-associated. Identifiers: Orphanet 88642, Orphanet 970, MedGen C1855739, MONDO:0009459, OMIM 243000.
Severe myoclonic epilepsy in infancy (DRVT). Also called: SEVERE MYOCLONIC EPILEPSY OF INFANCY; DEVELOPMENTAL AND EPILEPTIC ENCEPHALOPATHY 6A; Dravet syndrome; Severe Myoclonic Epilepsy in Infancy (SMEI); Epileptic encephalopathy, early infantile, 6 (Dravet syndrome). Identifiers: Orphanet 33069, MedGen C0751122, MONDO:0100135, OMIM 607208.

Allele frequency attached by ClinVar (database versions not stated): ExAC 0.00002; gnomAD 0.00006 and 0.00007; gnomAD exomes 0.00006 and 0.00012; TOPMed 0.00009; 1000 Genomes Project 30x 0.00016; ESP Exome Variant Server 0.00017; 1000 Genomes Project 0.00020.
gnomAD v4.1: 180 of 1,612,492 alleles (0.011%); highest among the groups gnomAD compares: Non-Finnish European, 0.014%; no homozygotes.

Submissions (5):

Labcorp Genetics (formerly Invitae), Labcorp
Classification: Uncertain significance for Neuropathy, hereditary sensory and autonomic, type 2A; Generalized epilepsy with febrile seizures plus, type 7. Last evaluated: 2025-12-08. Review status: criteria provided, single submitter. Criteria: Invitae Variant Classification Sherloc (09022015). Collection method: clinical testing. Allele origin: germline.
Comment: This sequence change replaces leucine, which is neutral and non-polar, with serine, which is neutral and polar, at codon 427 of the SCN9A protein (p.Leu427Ser). This variant is present in population databases (rs192406412, gnomAD 0.01%). This variant has not been reported in the literature in individuals affected with SCN9A-related conditions. ClinVar contains an entry for this variant (Variation ID: 234638). Invitae Evidence Modeling of protein sequence and biophysical properties (such as structural, functional, and spatial information, amino acid conservation, physicochemical variation, residue mobility, and thermodynamic stability) indicates that this missense variant is not expected to disrupt SCN9A protein function with a negative predictive value of 95%. In summary, the available evidence is currently insufficient to determine the role of this variant in disease. Therefore, it has been classified as a Variant of Uncertain Significance.

GeneDx
Classification: Uncertain significance. Last evaluated: 2024-01-30. Review status: criteria provided, single submitter. Criteria: GeneDx Variant Classification Process June 2021. Collection method: clinical testing. Allele origin: germline. Affected: yes.
Comment: In silico analysis supports that this missense variant has a deleterious effect on protein structure/function; Has not been previously published as pathogenic or benign to our knowledge

Ambry Genetics
Classification: Uncertain significance for Inborn genetic diseases. Last evaluated: 2021-11-18. Review status: criteria provided, single submitter. Criteria: Ambry Variant Classification Scheme 2023. Collection method: clinical testing. Allele origin: germline.
Comment: The p.L427S variant (also known as c.1280T>C), located in coding exon 9 of the SCN9A gene, results from a T to C substitution at nucleotide position 1280. The leucine at codon 427 is replaced by serine, an amino acid with dissimilar properties. This amino acid position is highly conserved in available vertebrate species. In addition, this alteration is predicted to be deleterious by in silico analysis. Based on the supporting evidence, this variant is unlikely to be causative of autosomal dominant SCN9A-related neuropathic pain syndromes; however, its contribution to the development of autosomal recessive congenital insensitivity to pain is uncertain.

Fulgent Genetics
Classification: Uncertain significance for Primary erythromelalgia; Paroxysmal extreme pain disorder; Neuropathy, hereditary sensory and autonomic, type 2A; Channelopathy-associated congenital insensitivity to pain, autosomal recessive; Severe myoclonic epilepsy in infancy; Generalized epilepsy with febrile seizures plus, type 7. Last evaluated: 2018-10-31. Review status: criteria provided, single submitter. Criteria: ACMG Guidelines, 2015. Collection method: clinical testing. Allele origin: unknown.

Baylor Genetics
Classification: Uncertain significance for Generalized epilepsy with febrile seizures plus, type 7. Last evaluated: 2018-07-16. Review status: criteria provided, single submitter. Criteria: ACMG Guidelines, 2015. Collection method: clinical testing. Allele origin: unknown. Affected: yes.
Comment: This variant was determined to be of uncertain significance according to ACMG Guidelines, 2015 [PMID:25741868].

NM_001365536.1(SCN9A):c.1280T>C (p.Leu427Ser)

Genes: SCN1A-AS1 (SCN1A and SCN9A antisense RNA 1; plus strand), SCN9A (sodium voltage-gated channel alpha subunit 9; minus strand). Cytogenetic location: 2q24.3.
Variant type: single nucleotide variant.
Coding change: c.1280T>C on transcript NM_001365536.1 (MANE Select); coding-DNA position 1280, T replaced by C.
Protein change: p.Leu427Ser; replaces leucine 427 with serine.
Molecular consequence: missense variant.
Genome position (GRCh38, 1-based): chr2:166,288,471, A>G on the plus strand (T>C on the coding strand, the complement: SCN9A is on the minus strand). VCF-style: chr2-166288471-A-G. GRCh37 (hg19) VCF-style: chr2-167144981-A-G.
Other names: c.1280T>C, p.Leu427Ser (NM_002977.4); short protein forms L427S.
Identifiers: ClinVar variation 234638 (VCV000234638.15), dbSNP rs192406412, ClinGen allele CA1944557.